The following is an entry in ClinVar:

ClinVar aggregate classification (germline): Uncertain significance. Review status: criteria provided, multiple submitters, no conflicts (2 of 4 stars). 2 submissions from 2 submitters: Uncertain significance (2). Last evaluated 2026-01-25.

Conditions:
Nephronophthisis. Also called: Juvenile Nephronophthisis. Identifiers: Orphanet 655, MedGen C0687120, MONDO:0019005, HP:0000090.

Allele frequency attached by ClinVar (database versions not stated): gnomAD exomes below 0.00001.
gnomAD v4.1: 2 of 1,614,188 alleles (0.00012%); highest among the groups gnomAD compares: East Asian, 0.0022%; no homozygotes.

Submissions (2):

Labcorp Genetics (formerly Invitae), Labcorp
Classification: Uncertain significance for Nephronophthisis. Last evaluated: 2026-01-25. Review status: criteria provided, single submitter. Criteria: Invitae Variant Classification Sherloc (09022015). Collection method: clinical testing. Allele origin: germline.
Comment: This sequence change replaces valine, which is neutral and non-polar, with isoleucine, which is neutral and non-polar, at codon 703 of the INVS protein (p.Val703Ile). This variant is not present in population databases (gnomAD no frequency). This variant has not been reported in the literature in individuals affected with INVS-related conditions. ClinVar contains an entry for this variant (Variation ID: 594155). An algorithm developed to predict the effect of missense changes on protein structure and function (PolyPhen-2) suggests that this variant is likely to be tolerated. In summary, the available evidence is currently insufficient to determine the role of this variant in disease. Therefore, it has been classified as a Variant of Uncertain Significance.

Eurofins Ntd Llc (ga)
Classification: Uncertain significance. Last evaluated: 2017-09-19. Review status: criteria provided, single submitter. Criteria: EGL Classification Definitions 2015. Collection method: clinical testing. Allele origin: germline. Observed: 1 variant allele, 1 heterozygote.

NM_014425.5(INVS):c.2107G>A (p.Val703Ile)

Gene: INVS (inversin; plus strand). Cytogenetic location: 9q31.1.
Variant type: single nucleotide variant.
Coding change: c.2107G>A on transcript NM_014425.5 (MANE Select); coding-DNA position 2107, G replaced by A.
Protein change: p.Val703Ile; replaces valine 703 with isoleucine.
Molecular consequence: missense variant.
Genome position (GRCh38, 1-based): chr9:100,292,364, G>A. VCF-style: chr9-100292364-G-A. GRCh37 (hg19) VCF-style: chr9-103054646-G-A.
Other names: c.1819G>A, p.Val607Ile (NM_001318381.2); c.1129G>A, p.Val377Ile (NM_001318382.2); short protein forms V703I, V377I, V607I.
Identifiers: ClinVar variation 594155 (VCV000594155.6), dbSNP rs1564193132, ClinGen allele CA374241962.